The following is an entry in ClinVar:

ClinVar aggregate classification (germline): Uncertain significance. Review status: criteria provided, single submitter (1 of 4 stars). 2 submissions from 2 submitters: Uncertain significance (1). 1 of the submissions does not count toward it. Last evaluated 2026-02-02.

Allele frequency attached by ClinVar (database versions not stated): ExAC 0.00002; gnomAD 0.00005; TOPMed 0.00006; gnomAD exomes 0.00007.
gnomAD v4.1: 106 of 1,611,908 alleles (0.0066%); highest among the groups gnomAD compares: Non-Finnish European, 0.0081%; no homozygotes.

Submissions (2):

Women's Health and Genetics/Laboratory Corporation of America, LabCorp
Classification: Uncertain significance. Last evaluated: 2026-02-02. Review status: criteria provided, single submitter. Criteria: LabCorp Variant Classification Summary - May 2015. Collection method: clinical testing. Allele origin: germline.
Comment: Variant summary: PKD1 c.4946C>T (p.Thr1649Met) results in a non-conservative amino acid change located in the PKD/Chitinase domain of the encoded protein sequence. Algorithms developed to predict the effect of missense changes on protein structure and function all suggest that this variant is likely to be disruptive. The variant allele was found at a frequency of 3.6e-05 in 247950 control chromosomes. The available data on variant occurrences in the general population are insufficient to allow any conclusion about variant significance. c.4946C>T has been observed in a compound heterozygous individual affected with Polycystic Kidney Disease (McCluskey_2002). This report does not provide unequivocal conclusions about association of the variant with PKD1-Biallelic Autosomal Recessive Polycystic Kidney Disease. To our knowledge, no experimental evidence demonstrating an impact on protein function has been reported. The following publication has been ascertained in the context of this evaluation (PMID: 11857740). ClinVar contains an entry for this variant (Variation ID: 2443216). Based on the evidence outlined above, the variant was classified as uncertain significance.

Genetic Services Laboratory, University of Chicago
Classification: Uncertain significance. Last evaluated: 2022-12-20. Review status: no assertion criteria provided. Collection method: clinical testing. Allele origin: germline. Affected: no. Not counted in ClinVar's aggregate classification.
Comment: DNA sequence analysis of the PKD1 gene demonstrated a sequence change, c.4946C>T, in exon 15 that results in an amino acid change, p.Thr1649Met. This sequence change has been described in the gnomAD database with a frequency of 0.0063% in the non-Finnish European subpopulation (dbSNP rs761106434). The p.Thr1649Met change affects a moderately conserved amino acid residue located in a domain of the PKD1 protein that is known to be functional. In-silico pathogenicity prediction tools (SIFT, PolyPhen2, Align GVGD, REVEL) provide contradictory results for the p.Thr1649Met substitution. This sequence change does not appear to have been previously described in individuals with PKD1-related disorders. Due to insufficient evidences and the lack of functional studies, the clinical significance of the p.Thr1649Met change remains unknown at this time.

Literature cited by the submitters: PubMed 11857740 (cited by Women's Health and Genetics/Laboratory Corporation of America, LabCorp).

NM_001009944.3(PKD1):c.4946C>T (p.Thr1649Met)

Gene: PKD1 (polycystin 1, transient receptor potential channel interacting; minus strand). Cytogenetic location: 16p13.3.
Variant type: single nucleotide variant.
Coding change: c.4946C>T on transcript NM_001009944.3 (MANE Select); coding-DNA position 4946, C replaced by T.
Protein change: p.Thr1649Met; replaces threonine 1649 with methionine.
Molecular consequence: missense variant.
Genome position (GRCh38, 1-based): chr16:2,110,221, G>A on the plus strand (C>T on the coding strand, the complement: PKD1 is on the minus strand). VCF-style: chr16-2110221-G-A. GRCh37 (hg19) VCF-style: chr16-2160222-G-A.
Other names: c.4946C>T, p.Thr1649Met (NM_000296.4); short protein forms T1649M.
Identifiers: ClinVar variation 2443216 (VCV002443216.4), dbSNP rs761106434, ClinGen allele CA7832184.
Genomic context (GRCh38, chr16:2,110,221, plus strand): 5'-CAGGCAGTCCAGCTGTAGGAGACGTTGGTGCCATCCCTAACCACGGCCTGCAGCTGTACC[G>A]TGTGGTTGGTGGGGAAGTAGCGGCCACCGCCCACCACCTGCAGCCCCTCTATGAGCTGCA-3'
Protein context (NP_001009944.3, residues 1639-1659): GGGRYFPTNH[Thr1649Met]VQLQAVVRDG